The following is an entry in ClinVar:

ClinVar aggregate classification (germline): Likely pathogenic (1 of 4 stars; one submission).

Conditions:
Perlman syndrome (PRLMNS). Identifiers: Orphanet 2849, MedGen C0796113, MONDO:0009965, OMIM 267000.

Submission:

Labcorp Genetics (formerly Invitae), Labcorp
Classification: Likely pathogenic for Perlman syndrome. Last evaluated: 2020-12-24. Review status: criteria provided, single submitter. Criteria: Invitae Variant Classification Sherloc (09022015). Collection method: clinical testing. Allele origin: germline.
Comment: In summary, the currently available evidence indicates that the variant is pathogenic, but additional data are needed to prove that conclusively. Therefore, this variant has been classified as Likely Pathogenic. This variant has not been reported in the literature in individuals with DIS3L2-related conditions. This variant results in a copy number gain of the genomic region encompassing exon(s) 14 of the DIS3L2 gene. While the exact position of this variant cannot be determined from the data, sub-genic copy number gains are generally in tandem (PMID: 25640679). This variant is predicted to be out-of-frame, and may result in an absent or disrupted protein product. Loss-of-function variants in DIS3L2 are known to be pathogenic (PMID: 22306653, 28328139).

Literature cited by the submitters: PubMed 25640679; PubMed 22306653; PubMed 28328139.

NC_000002.11:g.(?_233164740)_(233164839_?)dup

Gene: DIS3L2 (DIS3 like 3'-5' exoribonuclease 2; plus strand). Cytogenetic location: 2q37.1.
Variant type: Duplication.
Identifiers: ClinVar variation 1347275 (VCV001347275.4).